The following is an entry in ClinVar:

ClinVar aggregate classification (germline): Uncertain significance. Review status: criteria provided, multiple submitters, no conflicts (2 of 4 stars). 3 submissions from 3 submitters: Uncertain significance (3). Last evaluated 2026-04-21.

Conditions:
Inborn genetic diseases. Identifiers: MedGen C0950123, MeSH D030342.

Allele frequency attached by ClinVar (database versions not stated): gnomAD exomes 0.00001; gnomAD 0.00003; 1000 Genomes Project 0.00020; ExAC 0.00002; 1000 Genomes Project 30x 0.00016; TOPMed 0.00002.
gnomAD v4.1: 16 of 1,613,900 alleles (0.00099%); highest among the groups gnomAD compares: Admixed American, 0.017%; no homozygotes.

Submissions (3):

GeneDx
Classification: Uncertain significance. Last evaluated: 2026-04-21. Review status: criteria provided, single submitter. Criteria: GeneDx Variant Classification Process June 2021. Collection method: clinical testing. Allele origin: germline.
Comment: In silico analysis suggests that this missense variant does not alter protein structure/function; Has not been previously published as pathogenic or benign to our knowledge

Women's Health and Genetics/Laboratory Corporation of America, LabCorp
Classification: Uncertain significance. Last evaluated: 2024-01-22. Review status: criteria provided, single submitter. Criteria: LabCorp Variant Classification Summary - May 2015. Collection method: clinical testing. Allele origin: germline.
Comment: Variant summary: PIP5K1C c.1603A>G (p.Ile535Val) results in a conservative amino acid change in the encoded protein sequence. Five of five in-silico tools predict a benign effect of the variant on protein function. The variant allele was found at a frequency of 2.8e-05 in 250918 control chromosomes, predominantly at a frequency of 0.00014 within the Latino subpopulation in the gnomAD database. The available data on variant occurrences in the general population are insufficient to allow any conclusion about variant significance. To our knowledge, no occurrence of c.1603A>G in individuals affected with Lethal congenital contracture syndrome 3 and no experimental evidence demonstrating its impact on protein function have been reported. ClinVar contains an entry for this variant (Variation ID: 2408856). Based on the evidence outlined above, the variant was classified as uncertain significance.

Ambry Genetics
Classification: Uncertain significance for Inborn genetic diseases. Last evaluated: 2021-09-16. Review status: criteria provided, single submitter. Criteria: Ambry Variant Classification Scheme 2023. Collection method: clinical testing. Allele origin: germline.

NM_012398.3(PIP5K1C):c.1603A>G (p.Ile535Val)

Gene: PIP5K1C (phosphatidylinositol-4-phosphate 5-kinase type 1 gamma; minus strand). Cytogenetic location: 19p13.3.
Variant type: single nucleotide variant.
Coding change: c.1603A>G on transcript NM_012398.3 (MANE Select); coding-DNA position 1603, A replaced by G.
Protein change: p.Ile535Val; replaces isoleucine 535 with valine.
Molecular consequence: missense variant.
Genome position (GRCh38, 1-based): chr19:3,643,289, T>C on the plus strand (A>G on the coding strand, the complement: PIP5K1C is on the minus strand). VCF-style: chr19-3643289-T-C. GRCh37 (hg19) VCF-style: chr19-3643287-T-C.
Other names: c.1603A>G, p.Ile535Val (NM_001195733.2, NM_001300849.2); short protein forms I535V.
Identifiers: ClinVar variation 2408856 (VCV002408856.4), dbSNP rs200558261, ClinGen allele CA9082212.